The following is an entry in ClinVar:

ClinVar aggregate classification (germline): Uncertain significance (1 of 4 stars; one submission).

Conditions:
Congenital myasthenic syndrome 8. Also called: Myasthenic syndrome, congenital, 8, with pre- and postsynaptic defects; MYASTHENIC SYNDROME, CONGENITAL, DUE TO AGRIN DEFICIENCY. Identifiers: Orphanet 590, MedGen C3808739, MONDO:0014052, OMIM 615120.

Allele frequency attached by ClinVar (database versions not stated): TOPMed below 0.00001; gnomAD 0.00001; gnomAD exomes 0.00001.

Submission:

Labcorp Genetics (formerly Invitae), Labcorp
Classification: Uncertain significance for Congenital myasthenic syndrome 8. Last evaluated: 2022-02-03. Review status: criteria provided, single submitter. Criteria: Invitae Variant Classification Sherloc (09022015). Collection method: clinical testing. Allele origin: germline.
Comment: This sequence change replaces arginine, which is basic and polar, with cysteine, which is neutral and slightly polar, at codon 277 of the AGRN protein (p.Arg277Cys). The frequency data for this variant in the population databases is considered unreliable, as metrics indicate poor data quality at this position in the gnomAD database. This variant has not been reported in the literature in individuals affected with AGRN-related conditions. ClinVar contains an entry for this variant (Variation ID: 474169). Algorithms developed to predict the effect of missense changes on protein structure and function are either unavailable or do not agree on the potential impact of this missense change (SIFT: "Tolerated"; PolyPhen-2: "Possibly Damaging"; Align-GVGD: "Class C0"). In summary, the available evidence is currently insufficient to determine the role of this variant in disease. Therefore, it has been classified as a Variant of Uncertain Significance.

NM_198576.4(AGRN):c.829C>T (p.Arg277Cys)

Gene: AGRN (agrin; plus strand). Cytogenetic location: 1p36.33.
Variant type: single nucleotide variant.
Coding change: c.829C>T on transcript NM_198576.4 (MANE Select); coding-DNA position 829, C replaced by T.
Protein change: p.Arg277Cys; replaces arginine 277 with cysteine.
Molecular consequence: missense variant.
Genome position (GRCh38, 1-based): chr1:1,041,274, C>T. VCF-style: chr1-1041274-C-T. GRCh37 (hg19) VCF-style: chr1-976654-C-T.
Other names: c.829C>T, p.Arg277Cys (NM_001305275.2); c.514C>T, p.Arg172Cys (NM_001364727.2); short protein forms R277C, R172C.
Identifiers: ClinVar variation 474169 (VCV000474169.10), dbSNP rs1256837701, ClinGen allele CA337824264.